The following is an entry in ClinVar:

ClinVar aggregate classification (germline): Uncertain significance. Review status: criteria provided, multiple submitters, no conflicts (2 of 4 stars). 3 submissions from 3 submitters: Uncertain significance (3). Last evaluated 2025-11-08.

Conditions:
Chédiak-Higashi syndrome (CHS). Also called: Chediak-Higashi Syndrome. Identifiers: Orphanet 167, MedGen C0007965, MONDO:0008963, OMIM 214500.
Inborn genetic diseases. Identifiers: MedGen C0950123, MeSH D030342.

Allele frequency attached by ClinVar (database versions not stated): ExAC 0.00002; gnomAD 0.00004; ESP Exome Variant Server 0.00008.
gnomAD v4.1: 13 of 1,613,622 alleles (0.00081%); highest among the groups gnomAD compares: African/African-American, 0.008%; no homozygotes.

Submissions (3):

Ambry Genetics
Classification: Uncertain significance for Inborn genetic diseases. Last evaluated: 2025-11-08. Review status: criteria provided, single submitter. Criteria: Ambry Variant Classification Scheme 2023. Collection method: clinical testing. Allele origin: germline.

Labcorp Genetics (formerly Invitae), Labcorp
Classification: Uncertain significance for Chédiak-Higashi syndrome. Last evaluated: 2022-01-02. Review status: criteria provided, single submitter. Criteria: Invitae Variant Classification Sherloc (09022015). Collection method: clinical testing. Allele origin: germline.
Comment: This sequence change replaces alanine, which is neutral and non-polar, with valine, which is neutral and non-polar, at codon 3259 of the LYST protein (p.Ala3259Val). This variant is present in population databases (rs150488664, gnomAD 0.01%). This variant has not been reported in the literature in individuals affected with LYST-related conditions. Algorithms developed to predict the effect of missense changes on protein structure and function are either unavailable or do not agree on the potential impact of this missense change (SIFT: "Tolerated"; PolyPhen-2: "Probably Damaging"; Align-GVGD: "Class C0"). In summary, the available evidence is currently insufficient to determine the role of this variant in disease. Therefore, it has been classified as a Variant of Uncertain Significance.

Revvity Omics, Revvity
Classification: Uncertain significance for Chédiak-Higashi syndrome. Last evaluated: 2019-11-05. Review status: criteria provided, single submitter. Criteria: ACMG Guidelines, 2015. Collection method: clinical testing. Allele origin: germline.

NM_000081.4(LYST):c.9776C>T (p.Ala3259Val)

Gene: LYST (lysosomal trafficking regulator; minus strand). Cytogenetic location: 1q42.3.
Variant type: single nucleotide variant.
Coding change: c.9776C>T on transcript NM_000081.4 (MANE Select); coding-DNA position 9776, C replaced by T.
Protein change: p.Ala3259Val; replaces alanine 3259 with valine.
Molecular consequence: missense variant.
Genome position (GRCh38, 1-based): chr1:235,715,209, G>A on the plus strand (C>T on the coding strand, the complement: LYST is on the minus strand). VCF-style: chr1-235715209-G-A. GRCh37 (hg19) VCF-style: chr1-235878509-G-A.
Other names: c.9776C>T, p.Ala3259Val (NM_001301365.1); c.9776C>T (NM_000081.2); short protein forms A3259V.
Identifiers: ClinVar variation 2193845 (VCV002193845.5), dbSNP rs150488664, ClinGen allele CA1465506.